The following is an entry in ClinVar:

ClinVar aggregate classification (germline): Likely benign. Review status: criteria provided, multiple submitters, no conflicts (2 of 4 stars). 2 submissions from 2 submitters: Likely benign (2). Last evaluated 2025-11-28.

Allele frequency attached by ClinVar (database versions not stated): gnomAD exomes below 0.00001; TOPMed below 0.00001; gnomAD 0.00001.
gnomAD v4.1: 3 of 1,614,084 alleles (0.00019%); highest among the groups gnomAD compares: African/African-American, 0.0013%; no homozygotes.

Submissions (2):

Labcorp Genetics (formerly Invitae), Labcorp
Classification: Likely benign. Last evaluated: 2025-11-28. Review status: criteria provided, single submitter. Criteria: Invitae Variant Classification Sherloc (09022015). Collection method: clinical testing. Allele origin: germline.

CeGaT Center for Human Genetics Tuebingen
Classification: Likely benign. Last evaluated: 2025-08-01. Review status: criteria provided, single submitter. Criteria: CeGaT Center For Human Genetics Tuebingen Variant Classification Criteria Version 2. Collection method: clinical testing. Allele origin: germline. Affected: yes. Observed: 1 variant allele.
Comment: ELP1: BP4, BP7

NM_003640.5(ELP1):c.1080T>C (p.His360=)

Gene: ELP1 (elongator acetyltransferase complex subunit 1; minus strand). Cytogenetic location: 9q31.3.
Variant type: single nucleotide variant.
Coding change: c.1080T>C on transcript NM_003640.5 (MANE Select); coding-DNA position 1080, T replaced by C.
Protein change: p.His360=; no amino-acid change (histidine 360 retained).
Molecular consequence: synonymous variant.
Genome position (GRCh38, 1-based): chr9:108,912,373, A>G on the plus strand (T>C on the coding strand, the complement: ELP1 is on the minus strand). VCF-style: chr9-108912373-A-G. GRCh37 (hg19) VCF-style: chr9-111674653-A-G.
Other names: c.738T>C, p.His246= (NM_001318360.2); c.33T>C, p.His11= (NM_001330749.2).
Identifiers: ClinVar variation 1136038 (VCV001136038.17), dbSNP rs1214789434, ClinGen allele CA466896358.